The following is an entry in ClinVar:

ClinVar aggregate classification (germline): Pathogenic/Likely pathogenic. Review status: criteria provided, multiple submitters, no conflicts (2 of 4 stars). 5 submissions from 5 submitters: Pathogenic (2); Likely pathogenic (3). Last evaluated 2026-08-06.

Conditions:
Arthrogryposis multiplex congenita 6. Identifiers: MedGen C5543431, MONDO:0030281, OMIM 619334.
Nemaline myopathy 2 (NEM2). Also called: Nemaline myopathy 2, autosomal recessive. Identifiers: MedGen C1850569, MONDO:0009725, OMIM 256030.

gnomAD v4.1: 4 of 1,611,852 alleles (0.00025%); highest among the groups gnomAD compares: Non-Finnish European, 0.00034%; no homozygotes.

Submissions (5):

OLLIN Analises Genomicas, OLLIN
Classification: Likely pathogenic for Nemaline myopathy 2. Last evaluated: 2026-08-06. Review status: criteria provided, single submitter. Criteria: ACMG Guidelines 2015 PMID 25741868. Collection method: clinical testing. Allele origin: germline. Inheritance: Autosomal recessive inheritance.
Comment: This nonsense variant, located in exon 152 (of 182), has been reported in ClinVar (accession VCV000801766.8) and in gnomAD with an allele frequency of 0.00025%. However, to our knowledge, it has not been reported in the scientific literature. This variant introduces a premature stop codon, which is predicted to result in either a truncated protein or degradation of the mRNA via nonsense-mediated decay (NMD). According to the currently available evidence, this variant has been classified as likely pathogenic (PVS1, PM2_P).

Dasa
Classification: Likely pathogenic. Last evaluated: 2025-10-17. Review status: criteria provided, single submitter. Criteria: DASA Assertion Criteria. Collection method: clinical testing. Allele origin: germline.
Comment: NM_001164508.2(NEB):c.22327C>T (p.Arg7443*) is a nonsense variant in NEB predicted to introduce a premature termination codon and is predicted to result in an absent or altered protein product. Loss of function is an established disease mechanism for NEB-associated disorders. Also, this variant is rare in population databases. Based on the currently available evidence, this variant is classified as likely pathogenic.

Labcorp Genetics (formerly Invitae), Labcorp
Classification: Pathogenic for Nemaline myopathy 2. Last evaluated: 2025-01-15. Review status: criteria provided, single submitter. Criteria: Invitae Variant Classification Sherloc (09022015). Collection method: clinical testing. Allele origin: germline.
Comment: This sequence change creates a premature translational stop signal (p.Arg7478*) in the NEB gene. It is expected to result in an absent or disrupted protein product. Loss-of-function variants in NEB are known to be pathogenic (PMID: 25205138). This variant is not present in population databases (gnomAD no frequency). This variant has not been reported in the literature in individuals affected with NEB-related conditions. ClinVar contains an entry for this variant (Variation ID: 801766). For these reasons, this variant has been classified as Pathogenic.

Baylor Genetics
Classification: Likely pathogenic for Arthrogryposis multiplex congenita 6. Last evaluated: 2024-02-24. Review status: criteria provided, single submitter. Criteria: ACMG Guidelines, 2015. Collection method: clinical testing. Allele origin: unknown.

Mendelics
Classification: Pathogenic for Nemaline myopathy 2. Last evaluated: 2019-05-28. Review status: criteria provided, single submitter. Criteria: Mendelics Assertion Criteria 2017. Collection method: clinical testing. Allele origin: unknown.

Literature cited by the submitters: PubMed 25205138 (cited by Labcorp Genetics (formerly Invitae), Labcorp).

NM_001164508.2(NEB):c.22327C>T (p.Arg7443Ter)

Genes: NEB (nebulin; minus strand), RIF1 (replication timing regulatory factor 1; plus strand). Cytogenetic location: 2q23.3.
Variant type: single nucleotide variant.
Coding change: c.22327C>T on transcript NM_001164508.2 (MANE Select); coding-DNA position 22327, C replaced by T.
Protein change: p.Arg7443Ter; replaces arginine 7443 with a stop codon.
Molecular consequence: nonsense.
Genome position (GRCh38, 1-based): chr2:151,524,562, G>A on the plus strand (C>T on the coding strand, the complement: NEB is on the minus strand). VCF-style: chr2-151524562-G-A. GRCh37 (hg19) VCF-style: chr2-152381076-G-A.
Other names: c.22327C>T, p.Arg7443Ter (NM_001164507.2); c.22432C>T, p.Arg7478Ter (NM_001271208.2); c.17224C>T, p.Arg5742Ter (NM_004543.5); c.22432C>T (NM_001271208.1); short protein forms R5742*, R7478*, R7443*.
Identifiers: ClinVar variation 801766 (VCV000801766.10), dbSNP rs1576203853, ClinGen allele CA348765022.